The following is an entry in ClinVar:

ClinVar aggregate classification (germline): Uncertain significance (1 of 4 stars; one submission).

Conditions:
Dowling-Degos disease 2 (DDD2). Identifiers: Orphanet 79145, MedGen C3809147, MONDO:0014130, OMIM 615327.

Submission:

Labcorp Genetics (formerly Invitae), Labcorp
Classification: Uncertain significance for Dowling-Degos disease 2. Last evaluated: 2025-02-07. Review status: criteria provided, single submitter. Criteria: Invitae Variant Classification Sherloc (09022015). Collection method: clinical testing. Allele origin: germline.
Comment: This sequence change replaces methionine, which is neutral and non-polar, with valine, which is neutral and non-polar, at codon 142 of the POFUT1 protein (p.Met142Val). This variant is not present in population databases (gnomAD no frequency). This variant has not been reported in the literature in individuals affected with POFUT1-related conditions. An algorithm developed to predict the effect of missense changes on protein structure and function (PolyPhen-2) suggests that this variant is likely to be disruptive. In summary, the available evidence is currently insufficient to determine the role of this variant in disease. Therefore, it has been classified as a Variant of Uncertain Significance.

NM_015352.2(POFUT1):c.424A>G (p.Met142Val)

Gene: POFUT1 (protein O-fucosyltransferase 1; plus strand). Cytogenetic location: 20q11.21.
Variant type: single nucleotide variant.
Coding change: c.424A>G on transcript NM_015352.2 (MANE Select); coding-DNA position 424, A replaced by G.
Protein change: p.Met142Val; replaces methionine 142 with valine.
Molecular consequence: missense variant.
Genome position (GRCh38, 1-based): chr20:32,215,446, A>G. VCF-style: chr20-32215446-A-G. GRCh37 (hg19) VCF-style: chr20-30803249-A-G.
Other names: c.424A>G, p.Met142Val (NM_172236.2); short protein forms M142V.
Identifiers: ClinVar variation 4705789 (VCV004705789.1).
Genomic context (GRCh38, chr20:32,215,446, plus strand): 5'-CGGGTGGCATACTGCTTTGAGGTGGCAGCCCAGCGAAGCCCAGATAAGAAGACGTGCCCC[A>G]TGAAGGTGGGTCCTGTGGGTTCGGGGGCCCTTTCTTCCTGTTCCATGTCCTCTAGGCCCC-3'
Protein context (NP_056167.1, residues 132-152): QRSPDKKTCP[Met142Val]KEGNPFGPFW